The following is an entry in ClinVar:

NM_052947.4(ALPK2):c.1360G>T (p.Ala454Ser)

Gene: ALPK2 (alpha kinase 2; minus strand). Cytogenetic location: 18q21.31.
Variant type: single nucleotide variant.
Coding change: c.1360G>T on transcript NM_052947.4 (MANE Select); coding-DNA position 1360, G replaced by T.
Protein change: p.Ala454Ser; replaces alanine 454 with serine.
Molecular consequence: missense variant.
Genome position (GRCh38, 1-based): chr18:58,579,416, C>A on the plus strand (G>T on the coding strand, the complement: ALPK2 is on the minus strand). VCF-style: chr18-58579416-C-A. GRCh37 (hg19) VCF-style: chr18-56246648-C-A.
Other names: short protein forms A454S.
Identifiers: ClinVar variation 1770834 (VCV001770834.2), dbSNP rs952999196, ClinGen allele CA402563360.

ClinVar aggregate classification (germline): Uncertain significance (1 of 4 stars; one submission).

gnomAD v4.1: 1 of 1,614,156 alleles (0.000062%); highest among the groups gnomAD compares: African/African-American, 0.0013%; no homozygotes.

Submission:

Ambry Genetics
Classification: Uncertain significance. Last evaluated: 2021-10-09. Review status: criteria provided, single submitter. Criteria: Ambry Variant Classification Scheme 2023. Collection method: clinical testing. Allele origin: germline.
Comment: The p.A454S variant (also known as c.1360G>T), located in coding exon 3 of the ALPK2 gene, results from a G to T substitution at nucleotide position 1360. The alanine at codon 454 is replaced by serine, an amino acid with similar properties. This amino acid position is conserved. In addition, this alteration is predicted to be tolerated by in silico analysis. Since supporting evidence is limited at this time, the clinical significance of this alteration remains unclear.